The following is an entry in ClinVar:

NM_001848.3(COL6A1):c.814G>C (p.Gly272Arg)

Gene: COL6A1 (collagen type VI alpha 1 chain; plus strand). Cytogenetic location: 21q22.3.
Variant type: single nucleotide variant.
Coding change: c.814G>C on transcript NM_001848.3 (MANE Select); coding-DNA position 814, G replaced by C.
Protein change: p.Gly272Arg; replaces glycine 272 with arginine.
Molecular consequence: missense variant.
Genome position (GRCh38, 1-based): chr21:45,989,093, G>C. VCF-style: chr21-45989093-G-C. GRCh37 (hg19) VCF-style: chr21-47409007-G-C.
Other names: short protein forms G272R.
Identifiers: ClinVar variation 581961 (VCV000581961.12), dbSNP rs398123640, ClinGen allele CA410521410.

ClinVar aggregate classification (germline): Pathogenic (1 of 4 stars; one submission).

Conditions:
Bethlem myopathy 1A. Also called: Bethlem myopathy 1; MYOPATHY, BENIGN CONGENITAL, WITH CONTRACTURES; Bethlem Muscular Dystrophy. Identifiers: Orphanet 610, MedGen CN029274, MONDO:0024530, OMIM 158810.

Submission:

Labcorp Genetics (formerly Invitae), Labcorp
Classification: Pathogenic for Bethlem myopathy 1A. Last evaluated: 2025-04-27. Review status: criteria provided, single submitter. Criteria: Invitae Variant Classification Sherloc (09022015). Collection method: clinical testing. Allele origin: germline.
Comment: This sequence change replaces glycine, which is neutral and non-polar, with arginine, which is basic and polar, at codon 272 of the COL6A1 protein (p.Gly272Arg). This variant is not present in population databases (gnomAD no frequency). This missense change has been observed in individual(s) with developmental delay and hypotonia (internal data). In at least one individual the variant was observed to be de novo. ClinVar contains an entry for this variant (Variation ID: 581961). Invitae Evidence Modeling of protein sequence and biophysical properties (such as structural, functional, and spatial information, amino acid conservation, physicochemical variation, residue mobility, and thermodynamic stability) indicates that this missense variant is expected to disrupt COL6A1 protein function with a positive predictive value of 95%. This variant disrupts the triple helix domain of COL6A1. Glycine residues within the Gly-Xaa-Yaa repeats of the triple helix domain are required for the structure and stability of fibrillar collagens (PMID: 7695699, 8218237, 19344236). In COL6A1, variants at these glycine residues are significantly enriched in individuals with autosomal dominant disease (PMID: 15689448, 24038877) compared to the general population (ExAC). For these reasons, this variant has been classified as Pathogenic.

Literature cited by the submitters: PubMed 7695699; PubMed 8218237; PubMed 19344236; PubMed 15689448; PubMed 24038877.